The following is an entry in ClinVar:

ClinVar aggregate classification (germline): Uncertain significance (1 of 4 stars; one submission).

Conditions:
Intellectual developmental disorder with autism and speech delay. Also called: Autism 5; AUTISM-RELATED SPEECH DELAY; PHRASE SPEECH DELAY, AUTISM-RELATED; AUTS5; Autism, susceptibility to, 5. Identifiers: MedGen C1853755, MONDO:0011627, OMIM 606053.

Submission:

Laboratorio de Genetica e Diagnostico Molecular, Hospital Israelita Albert Einstein
Classification: Uncertain significance for Intellectual developmental disorder with autism and speech delay. Last evaluated: 2025-05-19. Review status: criteria provided, single submitter. Criteria: ACMG Guidelines, 2015. Collection method: clinical testing. Allele origin: germline. Affected: yes.
Comment: ACMG classification criteria: PM2 supporting, BP4 supporting

NM_006593.4(TBR1):c.1705G>T (p.Ala569Ser)

Gene: TBR1 (T-box brain transcription factor 1; plus strand). Cytogenetic location: 2q24.2.
Variant type: single nucleotide variant.
Coding change: c.1705G>T on transcript NM_006593.4 (MANE Select); coding-DNA position 1705, G replaced by T.
Protein change: p.Ala569Ser; replaces alanine 569 with serine.
Molecular consequence: missense variant.
Genome position (GRCh38, 1-based): chr2:161,423,883, G>T. VCF-style: chr2-161423883-G-T. GRCh37 (hg19) VCF-style: chr2-162280394-G-T.
Other names: short protein forms A569S.
Identifiers: ClinVar variation 4076245 (VCV004076245.1).
Genomic context (GRCh38, chr2:161,423,883, plus strand): 5'-AGTCCCCCGCAGTACTGCGGCACCAAGTCGGGCTCGGTGCTGCCCTGCTGGCCCAACAGC[G>T]CCGCGGCCGCCGCGCGCATGGCCGGCGCCAATCCCTACCTGGGCGAGGAGGCCGAGGGCC-3'
Protein context (NP_006584.1, residues 559-579): GSVLPCWPNS[Ala569Ser]AAAARMAGAN